The following is an entry in ClinVar:

NM_012470.4(TNPO3):c.1158+17A>G

Gene: TNPO3 (transportin 3; minus strand). Cytogenetic location: 7q32.1.
Variant type: single nucleotide variant.
Coding change: c.1158+17A>G on transcript NM_012470.4 (MANE Select); 17 bases into the intron after coding-DNA position 1158, A replaced by G.
Molecular consequence: intron variant.
Genome position (GRCh38, 1-based): chr7:128,997,372, T>C on the plus strand (A>G on the coding strand, the complement: TNPO3 is on the minus strand). VCF-style: chr7-128997372-T-C. GRCh37 (hg19) VCF-style: chr7-128637426-T-C.
Other names: c.1014+17A>G (NM_001382221.1); c.1011+3057A>G (NM_001382222.1); c.1158+17A>G (NM_001382219.1, NM_001382223.1, NM_001191028.3 and 3 more transcripts); c.1239+17A>G (NM_001382217.1).
Identifiers: ClinVar variation 514560 (VCV000514560.10), dbSNP rs764995047, ClinGen allele CA4478241.

ClinVar aggregate classification (germline): Benign/Likely benign. Review status: criteria provided, multiple submitters, no conflicts (2 of 4 stars). 3 submissions from 3 submitters: Benign (1); Likely benign (2). Last evaluated 2026-01-17.

Conditions:
Autosomal dominant limb-girdle muscular dystrophy type 1F (LGMDD2). Also called: MUSCULAR DYSTROPHY, LIMB-GIRDLE, AUTOSOMAL DOMINANT 2; Limb-girdle muscular dystrophy, type 1F. Identifiers: Orphanet 55595, MedGen C1842062, MONDO:0012034, OMIM 608423.

Allele frequency attached by ClinVar (database versions not stated): gnomAD 0.00003; TOPMed 0.00011; ExAC 0.00019.
gnomAD v4.1: 83 of 1,612,868 alleles (0.0051%); highest among the groups gnomAD compares: Admixed American, 0.13%; 1 homozygote.

Submissions (3):

Labcorp Genetics (formerly Invitae), Labcorp
Classification: Benign for Autosomal dominant limb-girdle muscular dystrophy type 1F. Last evaluated: 2026-01-17. Review status: criteria provided, single submitter. Criteria: Invitae Variant Classification Sherloc (09022015). Collection method: clinical testing. Allele origin: germline.

GeneDx
Classification: Likely benign. Last evaluated: 2018-01-11. Review status: criteria provided, single submitter. Criteria: GeneDx Variant Classification (06012015). Collection method: clinical testing. Allele origin: germline. Affected: yes.
Comment: This variant is considered likely benign or benign based on one or more of the following criteria: it is a conservative change, it occurs at a poorly conserved position in the protein, it is predicted to be benign by multiple in silico algorithms, and/or has population frequency not consistent with disease.

Breakthrough Genomics
Classification: Likely benign. Review status: criteria provided, single submitter. Criteria: ACMG Guidelines, 2015. Collection method: not provided. Allele origin: germline. Inheritance: Autosomal dominant inheritance. Affected: yes.